The following is an entry in ClinVar:

NM_032634.4(PIGO):c.2129del (p.Leu710fs)

Gene: PIGO (phosphatidylinositol glycan anchor biosynthesis class O; minus strand). Cytogenetic location: 9p13.3.
Variant type: Deletion.
Coding change: c.2129del on transcript NM_032634.4 (MANE Select); coding-DNA position 2129, one base deleted (T; older notation c.2129delT).
Protein change: p.Leu710fs; shifts the reading frame from leucine 710.
Molecular consequence: frameshift variant. On other transcripts: intron variant (2).
Genome position (GRCh38, 1-based): chr9:35,091,758, A deleted on the plus strand (T on the coding strand, the reverse complement: PIGO is on the minus strand). VCF-style (leftmost placement, unchanged base first): chr9-35091757-TA-T. GRCh37 (hg19) VCF-style: chr9-35091754-TA-T.
Other names: c.1345-467del (NM_152850.4, NM_001201484.2); short protein forms L710fs.
Identifiers: ClinVar variation 4989539 (VCV004989539.1).

ClinVar aggregate classification (germline): Likely pathogenic (1 of 4 stars; one submission).

Conditions:
PIGO-related disorder. Also called: PIGO-related condition.

Submission:

PreventionGenetics, part of Exact Sciences
Classification: Likely pathogenic for PIGO-related condition. Last evaluated: 2026-04-08. Review status: criteria provided, single submitter. Criteria: ACMG Guidelines, 2015. Collection method: clinical testing. Allele origin: germline.
Comment: The PIGO c.2129delT variant is predicted to result in a frameshift and premature protein termination (p.Leu710Glnfs*38). To our knowledge, this variant has not been reported in the literature. This variant is reported in 0.0055% of alleles in individuals of East Asian descent in gnomAD. Frameshift variants in PIGO are expected to be pathogenic. This variant is interpreted as likely pathogenic.